The following is an entry in ClinVar:

ClinVar aggregate classification (germline): Likely benign. Review status: criteria provided, multiple submitters, no conflicts (2 of 4 stars). 5 submissions from 4 submitters: Likely benign (5). Last evaluated 2025-10-26.

Conditions:
Aortic valve disease 1 (AOVD1). Identifiers: MedGen C3887892, MONDO:0024523, OMIM 109730.
Adams-Oliver syndrome 5 (AOS5). Identifiers: Orphanet 974, MedGen C4014970, MONDO:0014459, OMIM 616028.

Allele frequency attached by ClinVar (database versions not stated): gnomAD 0.00003 and 0.00004; gnomAD exomes 0.00005 and 0.00014; TOPMed 0.00005; 1000 Genomes Project 30x 0.00016; ExAC 0.00025.
gnomAD v4.1: 69 of 1,539,830 alleles (0.0045%); highest among the groups gnomAD compares: Admixed American, 0.043%; no homozygotes.

Submissions (5):

Labcorp Genetics (formerly Invitae), Labcorp
Classification: Likely benign for Adams-Oliver syndrome 5. Last evaluated: 2025-10-26. Review status: criteria provided, single submitter. Criteria: Invitae Variant Classification Sherloc (09022015). Collection method: clinical testing. Allele origin: germline.

Blueprint Genetics
Classification: Likely benign. Last evaluated: 2024-09-03. Review status: criteria provided, single submitter. Criteria: ACMG Guidelines, 2015. Collection method: clinical testing. Allele origin: germline.

Genome-Nilou Lab
Classification: Likely benign for Adams-Oliver syndrome 5. Last evaluated: 2022-03-15. Review status: criteria provided, single submitter. Criteria: ACMG Guidelines, 2015. Collection method: clinical testing. Allele origin: germline. Affected: no.

Genome-Nilou Lab
Classification: Likely benign for Aortic valve disease 1. Last evaluated: 2022-03-15. Review status: criteria provided, single submitter. Criteria: ACMG Guidelines, 2015. Collection method: clinical testing. Allele origin: germline. Affected: no.

GeneDx
Classification: Likely benign. Last evaluated: 2017-03-20. Review status: criteria provided, single submitter. Criteria: GeneDx Variant Classification (06012015). Collection method: clinical testing. Allele origin: germline. Affected: yes.
Comment: This variant is considered likely benign or benign based on one or more of the following criteria: it is a conservative change, it occurs at a poorly conserved position in the protein, it is predicted to be benign by multiple in silico algorithms, and/or has population frequency not consistent with disease.

NM_017617.5(NOTCH1):c.3171+12G>A

Gene: NOTCH1 (notch receptor 1; minus strand). Cytogenetic location: 9q34.3.
Variant type: single nucleotide variant.
Coding change: c.3171+12G>A on transcript NM_017617.5 (MANE Select); 12 bases into the intron after coding-DNA position 3171, G replaced by A.
Molecular consequence: intron variant.
Genome position (GRCh38, 1-based): chr9:136,508,858, C>T on the plus strand (G>A on the coding strand, the complement: NOTCH1 is on the minus strand). VCF-style: chr9-136508858-C-T. GRCh37 (hg19) VCF-style: chr9-139403310-C-T.
Other names: c.3171+12G>A (LRG_1122t1).
Identifiers: ClinVar variation 517789 (VCV000517789.12), dbSNP rs753242532, ClinGen allele CA5341053.